The following is an entry in ClinVar:

ClinVar aggregate classification (germline): Uncertain significance. Review status: criteria provided, multiple submitters, no conflicts (2 of 4 stars). 4 submissions from 4 submitters: Uncertain significance (4). Last evaluated 2025-12-22.

Conditions:
Inborn genetic diseases. Identifiers: MedGen C0950123, MeSH D030342.
CHARGE syndrome (CHARGE). Also called: Hittner Hirsch Kreh syndrome; CHARGE ASSOCIATION--COLOBOMA, HEART ANOMALY, CHOANAL ATRESIA, RETARDATION, GENITAL AND EAR ANOMALIES; Coloboma, heart anomaly, choanal atresia, retardation, genital and ear anomalies; CHARGE association; Hall-Hittner syndrome. Identifiers: Orphanet 138, MedGen C0265354, MONDO:0008965.

Allele frequency attached by ClinVar (database versions not stated): gnomAD 0.00001; gnomAD exomes 0.00001; TOPMed 0.00001.
gnomAD v4.1: 19 of 1,613,474 alleles (0.0012%); highest among the groups gnomAD compares: Non-Finnish European, 0.0016%; no homozygotes.

Submissions (4):

Ambry Genetics
Classification: Uncertain significance for Inborn genetic diseases. Last evaluated: 2025-12-22. Review status: criteria provided, single submitter. Criteria: Ambry Variant Classification Scheme 2023. Collection method: clinical testing. Allele origin: germline.

Labcorp Genetics (formerly Invitae), Labcorp
Classification: Uncertain significance for CHARGE syndrome. Last evaluated: 2025-03-13. Review status: criteria provided, single submitter. Criteria: Invitae Variant Classification Sherloc (09022015). Collection method: clinical testing. Allele origin: germline.
Comment: This sequence change replaces proline, which is neutral and non-polar, with leucine, which is neutral and non-polar, at codon 731 of the CHD7 protein (p.Pro731Leu). This variant is not present in population databases (gnomAD no frequency). This variant has not been reported in the literature in individuals affected with CHD7-related conditions. ClinVar contains an entry for this variant (Variation ID: 420329). Invitae Evidence Modeling of protein sequence and biophysical properties (such as structural, functional, and spatial information, amino acid conservation, physicochemical variation, residue mobility, and thermodynamic stability) indicates that this missense variant is expected to disrupt CHD7 protein function with a positive predictive value of 80%. In summary, the available evidence is currently insufficient to determine the role of this variant in disease. Therefore, it has been classified as a Variant of Uncertain Significance.

CeGaT Center for Human Genetics Tuebingen
Classification: Uncertain significance. Last evaluated: 2024-05-01. Review status: criteria provided, single submitter. Criteria: CeGaT Center For Human Genetics Tuebingen Variant Classification Criteria Version 2. Collection method: clinical testing. Allele origin: germline. Affected: yes. Observed: 2 variant alleles.
Comment: CHD7: PM2

GeneDx
Classification: Uncertain significance. Last evaluated: 2016-02-22. Review status: criteria provided, single submitter. Criteria: GeneDx Variant Classification (06012015). Collection method: clinical testing. Allele origin: germline. Affected: yes.
Comment: A variant of uncertain significance has been identified in the CHD7 gene. The P731L variant has not been published as a pathogenic variant, nor has it been reported as a benign variant to our knowledge. The variant was not observed in approximately 5,900 individuals of European and African American ancestry in the NHLBI Exome Sequencing Project, indicating it is not a common benign variant in these populations. P731L is a semi-conservative amino acid substitution, which may impact secondary protein structure as these residues differ in some properties. This substitution occurs at a position that is conserved across species; however, in silico analysis is inconsistent in its predictions as to whether or not the variant is damaging to the protein structure/function. Additionally, few pathogenic missense variants have been reported in CHARGE syndrome, as most pathogenic variants introduce a premature termination codon. Therefore, based on the currently available information, it is unclear whether this variant is a pathogenic variant or a rare benign variant.

NM_017780.4(CHD7):c.2192C>T (p.Pro731Leu)

Gene: CHD7 (chromodomain helicase DNA binding protein 7; plus strand). Cytogenetic location: 8q12.2.
Variant type: single nucleotide variant.
Coding change: c.2192C>T on transcript NM_017780.4 (MANE Select); coding-DNA position 2192, C replaced by T.
Protein change: p.Pro731Leu; replaces proline 731 with leucine.
Molecular consequence: missense variant. On other transcripts: intron variant (1).
Genome position (GRCh38, 1-based): chr8:60,795,081, C>T. VCF-style: chr8-60795081-C-T. GRCh37 (hg19) VCF-style: chr8-61707640-C-T.
Other names: c.2192C>T (LRG_176t1, NM_017780.3); c.1716+14031C>T (NM_001316690.1); short protein forms P731L.
Identifiers: ClinVar variation 420329 (VCV000420329.40), dbSNP rs1064794416, ClinGen allele CA16618658.